The following is an entry in ClinVar:

ClinVar aggregate classification (germline): Uncertain significance (1 of 4 stars; one submission).

Conditions:
Hypertrophic cardiomyopathy 14. Identifiers: MedGen C2750467, MONDO:0013197, OMIM 613251.

Submission:

Labcorp Genetics (formerly Invitae), Labcorp
Classification: Uncertain significance for Hypertrophic cardiomyopathy 14. Last evaluated: 2020-09-22. Review status: criteria provided, single submitter. Criteria: Invitae Variant Classification Sherloc (09022015). Collection method: clinical testing. Allele origin: germline.
Comment: In summary, the available evidence is currently insufficient to determine the role of this variant in disease. Therefore, it has been classified as a Variant of Uncertain Significance. Algorithms developed to predict the effect of missense changes on protein structure and function are either unavailable or do not agree on the potential impact of this missense change (SIFT: "Deleterious"; PolyPhen-2: "Probably Damaging"; Align-GVGD: "Class C0"). This variant has not been reported in the literature in individuals with MYH6-related conditions. This variant is not present in population databases (ExAC no frequency). This sequence change replaces cysteine with phenylalanine at codon 539 of the MYH6 protein (p.Cys539Phe). The cysteine residue is weakly conserved and there is a large physicochemical difference between cysteine and phenylalanine.

NM_002471.4(MYH6):c.1616G>T (p.Cys539Phe)

Gene: MYH6 (myosin heavy chain 6; minus strand). Cytogenetic location: 14q11.2.
Variant type: single nucleotide variant.
Coding change: c.1616G>T on transcript NM_002471.4 (MANE Select); coding-DNA position 1616, G replaced by T.
Protein change: p.Cys539Phe; replaces cysteine 539 with phenylalanine.
Molecular consequence: missense variant.
Genome position (GRCh38, 1-based): chr14:23,399,003, C>A on the plus strand (G>T on the coding strand, the complement: MYH6 is on the minus strand). VCF-style: chr14-23399003-C-A. GRCh37 (hg19) VCF-style: chr14-23868212-C-A.
Other names: short protein forms C539F.
Identifiers: ClinVar variation 1016375 (VCV001016375.8), dbSNP rs750051592, ClinGen allele CA389021029.